The following is an entry in ClinVar:

ClinVar aggregate classification (germline): Uncertain significance (0 of 4 stars; one submission).

Conditions:
Prostate cancer. Also called: Malignant tumor of prostate. Identifiers: Orphanet 1331, MedGen C0376358, MONDO:0008315, HP:0012125.

Submission:

Science for Life laboratory,  Karolinska Institutet
Classification: Uncertain significance for Malignant tumor of prostate. Review status: no assertion criteria provided. Collection method: not provided. Allele origin: somatic.
Comment: TumorID:SWE-10
ClinVar note: Converted during submission from Unknown to Uncertain significance.

NM_058192.3(RPUSD1):c.521A>G (p.His174Arg)

Gene: RPUSD1 (RNA pseudouridine synthase domain containing 1; minus strand). Cytogenetic location: 16p13.3.
Variant type: single nucleotide variant.
Coding change: c.521A>G on transcript NM_058192.3 (MANE Select); coding-DNA position 521, A replaced by G.
Protein change: p.His174Arg; replaces histidine 174 with arginine.
Molecular consequence: missense variant. On other transcripts: 3 prime UTR variant (1).
Genome position (GRCh38, 1-based): chr16:786,368, T>C on the plus strand (A>G on the coding strand, the complement: RPUSD1 is on the minus strand). VCF-style: chr16-786368-T-C. GRCh37 (hg19) VCF-style: chr16-836368-T-C.
Other names: c.530A>G, p.His177Arg (NM_001324086.2); c.143A>G, p.His48Arg (NM_001324410.2, NM_001369659.1); c.*22A>G (NM_001324411.2); c.134A>G, p.His45Arg (NM_001324412.2, NM_001324413.2, NM_001324414.2 and 2 more transcripts); c.473A>G, p.His158Arg (NM_001369658.1); short protein forms H174R, H158R, H177R, H45R, H48R.
Identifiers: ClinVar variation 161795 (VCV000161795.2), dbSNP rs193920771, ClinGen allele CA174798.
Genomic context (GRCh38, chr16:786,368, plus strand): 5'-CCGTAGGTCAGGTCGCCCACCACGGGGTGGCCCAGGGCACTGCAGTGCACGCGCAGCTGG[T>C]GTGTCCGGCCTGCGGGATGAGGGCGGTGCCGGATCAAGCTGGGAGCGGGGCCGATCCACA-3'
Protein context (NP_478072.1, residues 164-184): VLLKPLTGRT[His174Arg]QLRVHCSALG